The following is an entry in ClinVar:

ClinVar aggregate classification (germline): Pathogenic (1 of 4 stars; one submission).

Conditions:
Fanconi anemia (FA). Also called: Fanconi's anemia. Identifiers: Orphanet 84, MedGen C0015625, MeSH D005199, MONDO:0019391.

gnomAD v4.1: 16 of 1,613,430 alleles (0.00099%); highest among the groups gnomAD compares: Non-Finnish European, 0.0013%; no homozygotes.

Submission:

Labcorp Genetics (formerly Invitae), Labcorp
Classification: Pathogenic for Fanconi anemia. Last evaluated: 2023-05-09. Review status: criteria provided, single submitter. Criteria: Invitae Variant Classification Sherloc (09022015). Collection method: clinical testing. Allele origin: germline.
Comment: This sequence change creates a premature translational stop signal (p.Tyr1325*) in the FANCM gene. It is expected to result in an absent or disrupted protein product. Loss-of-function variants in FANCM are known to be pathogenic (PMID: 29895858, 30075111). This variant is not present in population databases (gnomAD no frequency). This variant has not been reported in the literature in individuals affected with FANCM-related conditions. For these reasons, this variant has been classified as Pathogenic.

Literature cited by the submitters: PubMed 29895858; PubMed 30075111.

NM_020937.4(FANCM):c.3975T>G (p.Tyr1325Ter)

Gene: FANCM (FA complementation group M; plus strand). Cytogenetic location: 14q21.2.
Variant type: single nucleotide variant.
Coding change: c.3975T>G on transcript NM_020937.4 (MANE Select); coding-DNA position 3975, T replaced by G.
Protein change: p.Tyr1325Ter; replaces tyrosine 1325 with a stop codon.
Molecular consequence: nonsense.
Genome position (GRCh38, 1-based): chr14:45,176,729, T>G. VCF-style: chr14-45176729-T-G. GRCh37 (hg19) VCF-style: chr14-45645932-T-G.
Other names: c.3897T>G, p.Tyr1299Ter (NM_001308133.2); short protein forms Y1325*, Y1299*.
Identifiers: ClinVar variation 3015384 (VCV003015384.3), dbSNP rs1030580842, ClinGen allele CA259628599.
Genomic context (GRCh38, chr14:45,176,729, plus strand): 5'-AAATTATGTACATTTGCCACTGAGTGCAGCAAAAAATGAAGAATTGTTATCTCCTGGTTA[T>G]TCTCAGTTTTCTTTACCAGTGCAAAAAAAAGTTATGAGTACACCACTCTCTAAATCAAAC-3'